The following is an entry in ClinVar:

NM_003924.4(PHOX2B):c.919G>A (p.Ala307Thr)

Gene: PHOX2B (paired like homeobox 2B; minus strand). Cytogenetic location: 4p13.
Variant type: single nucleotide variant.
Coding change: c.919G>A on transcript NM_003924.4 (MANE Select); coding-DNA position 919, G replaced by A.
Protein change: p.Ala307Thr; replaces alanine 307 with threonine.
Molecular consequence: missense variant.
Genome position (GRCh38, 1-based): chr4:41,745,833, C>T on the plus strand (G>A on the coding strand, the complement: PHOX2B is on the minus strand). VCF-style: chr4-41745833-C-T. GRCh37 (hg19) VCF-style: chr4-41747850-C-T.
Other names: short protein forms A307T.
Identifiers: ClinVar variation 1365793 (VCV001365793.9), dbSNP rs780578509, ClinGen allele CA356736714.

ClinVar aggregate classification (germline): Conflicting classifications of pathogenicity. Review status: criteria provided, conflicting classifications (1 of 4 stars). 2 submissions from 2 submitters: Uncertain significance (1); Likely benign (1). Last evaluated 2025-11-04.

Conditions:
Hereditary cancer-predisposing syndrome. Also called: Neoplastic Syndromes, Hereditary; Tumor predisposition; Hereditary neoplastic syndrome; Hereditary Cancer Syndrome. Identifiers: Orphanet 140162, MedGen C0027672, MeSH D009386, MONDO:0015356.
Haddad syndrome (OHD). Also called: Ondine-Hirschsprung disease. Identifiers: Orphanet 99803, MedGen C1859049, MONDO:0020493.

Allele frequency attached by ClinVar (database versions not stated): gnomAD exomes below 0.00001; TOPMed below 0.00001.
gnomAD v4.1: 2 of 1,609,490 alleles (0.00012%); highest among the groups gnomAD compares: Non-Finnish European, 0.00017%; no homozygotes.

Submissions (2):

Ambry Genetics
Classification: Likely benign for Hereditary cancer-predisposing syndrome. Last evaluated: 2025-11-04. Review status: criteria provided, single submitter. Criteria: Ambry Variant Classification Scheme 2023. Collection method: clinical testing. Allele origin: germline.

Labcorp Genetics (formerly Invitae), Labcorp
Classification: Uncertain significance for Haddad syndrome. Last evaluated: 2023-02-04. Review status: criteria provided, single submitter. Criteria: Invitae Variant Classification Sherloc (09022015). Collection method: clinical testing. Allele origin: germline.
Comment: This variant has not been reported in the literature in individuals affected with PHOX2B-related conditions. ClinVar contains an entry for this variant (Variation ID: 1365793). Algorithms developed to predict the effect of missense changes on protein structure and function are either unavailable or do not agree on the potential impact of this missense change (SIFT: "Tolerated"; PolyPhen-2: "Not Available"; Align-GVGD: "Class C0"). In summary, the available evidence is currently insufficient to determine the role of this variant in disease. Therefore, it has been classified as a Variant of Uncertain Significance. This sequence change replaces alanine, which is neutral and non-polar, with threonine, which is neutral and polar, at codon 307 of the PHOX2B protein (p.Ala307Thr). This variant is not present in population databases (gnomAD no frequency).